The following is an entry in ClinVar:

NM_001378024.1(ARHGAP32):c.5982C>A (p.Pro1994=)

Gene: ARHGAP32 (Rho GTPase activating protein 32; minus strand). Cytogenetic location: 11q24.3.
Variant type: single nucleotide variant.
Coding change: c.5982C>A on transcript NM_001378024.1 (MANE Select); coding-DNA position 5982, C replaced by A.
Protein change: p.Pro1994=; no amino-acid change (proline 1994 retained).
Molecular consequence: synonymous variant.
Genome position (GRCh38, 1-based): chr11:128,969,231, G>T on the plus strand (C>A on the coding strand, the complement: ARHGAP32 is on the minus strand). VCF-style: chr11-128969231-G-T. GRCh37 (hg19) VCF-style: chr11-128839126-G-T.
Other names: c.5940C>A, p.Pro1980= (NM_001142685.2); c.5820C>A, p.Pro1940= (NM_001378025.1); c.4893C>A, p.Pro1631= (NM_014715.4).
Identifiers: ClinVar variation 3060092 (VCV003060092.2), dbSNP rs139852631, ClinGen allele CA6358281.

ClinVar aggregate classification (germline): Likely benign (0 of 4 stars; one submission).

Conditions:
ARHGAP32-related disorder. Also called: ARHGAP32-related condition.

Allele frequency attached by ClinVar (database versions not stated): 1000 Genomes Project 30x 0.00156; 1000 Genomes Project 0.00160.
gnomAD v4.1: 243 of 1,614,110 alleles (0.015%); highest among the groups gnomAD compares: East Asian, 0.38%; 1 homozygote.

Submission:

PreventionGenetics, part of Exact Sciences
Classification: Likely benign for ARHGAP32-related condition. Last evaluated: 2019-04-15. Review status: no assertion criteria provided. Collection method: clinical testing. Allele origin: germline.
Comment: This variant is classified as likely benign based on ACMG/AMP sequence variant interpretation guidelines (Richards et al. 2015 PMID: 25741868, with internal and published modifications).